The following is an entry in ClinVar:

ClinVar aggregate classification (germline): Uncertain significance. Review status: criteria provided, multiple submitters, no conflicts (2 of 4 stars). 3 submissions from 3 submitters: Uncertain significance (3). Last evaluated 2024-02-16.

Allele frequency attached by ClinVar (database versions not stated): gnomAD exomes 0.00001; ESP Exome Variant Server 0.00008.

Submissions (3):

Mayo Clinic Laboratories, Mayo Clinic
Classification: Uncertain significance. Last evaluated: 2024-02-16. Review status: criteria provided, single submitter. Criteria: ACMG Guidelines, 2015. Collection method: clinical testing. Allele origin: germline. Observed: 1 variant allele.
Comment: PM2

Labcorp Genetics (formerly Invitae), Labcorp
Classification: Uncertain significance. Last evaluated: 2022-02-21. Review status: criteria provided, single submitter. Criteria: Invitae Variant Classification Sherloc (09022015). Collection method: clinical testing. Allele origin: germline.
Comment: This sequence change replaces asparagine, which is neutral and polar, with serine, which is neutral and polar, at codon 751 of the ELP1 protein (p.Asn751Ser). This variant is present in population databases (rs369421634, gnomAD 0.003%). This variant has not been reported in the literature in individuals affected with ELP1-related conditions. Algorithms developed to predict the effect of missense changes on protein structure and function are either unavailable or do not agree on the potential impact of this missense change (SIFT: "Deleterious"; PolyPhen-2: "Probably Damaging"; Align-GVGD: "Class C15"). In summary, the available evidence is currently insufficient to determine the role of this variant in disease. Therefore, it has been classified as a Variant of Uncertain Significance.

Ambry Genetics
Classification: Uncertain significance. Last evaluated: 2021-11-09. Review status: criteria provided, single submitter. Criteria: Ambry Variant Classification Scheme 2023. Collection method: clinical testing. Allele origin: germline.

NM_003640.5(ELP1):c.2252A>G (p.Asn751Ser)

Gene: ELP1 (elongator acetyltransferase complex subunit 1; minus strand). Cytogenetic location: 9q31.3.
Variant type: single nucleotide variant.
Coding change: c.2252A>G on transcript NM_003640.5 (MANE Select); coding-DNA position 2252, A replaced by G.
Protein change: p.Asn751Ser; replaces asparagine 751 with serine.
Molecular consequence: missense variant.
Genome position (GRCh38, 1-based): chr9:108,898,702, T>C on the plus strand (A>G on the coding strand, the complement: ELP1 is on the minus strand). VCF-style: chr9-108898702-T-C. GRCh37 (hg19) VCF-style: chr9-111660982-T-C.
Other names: p.Asn751Ser; c.1910A>G, p.Asn637Ser (NM_001318360.2); c.1205A>G, p.Asn402Ser (NM_001330749.2); short protein forms N637S, N402S, N751S.
Identifiers: ClinVar variation 2152337 (VCV002152337.3), dbSNP rs369421634, ClinGen allele CA197534035.